The following is an entry in ClinVar:

ClinVar aggregate classification (germline): Uncertain significance. Review status: criteria provided, multiple submitters, no conflicts (2 of 4 stars). 3 submissions from 3 submitters: Uncertain significance (2). 1 of the submissions does not count toward it. Last evaluated 2024-10-08.

Conditions:
MCCC1-related disorder. Also called: MCCC1-related condition.
3-methylcrotonyl-CoA carboxylase 1 deficiency (MCC1D). Also called: MCCD TYPE 1; METHYLCROTONYLGLYCINURIA TYPE I; MCC 1 deficiency; 3 Alpha methylcrotonylglycinuria 1. Identifiers: Orphanet 6, MedGen CN028786, MONDO:0008861, OMIM 210200.

Allele frequency attached by ClinVar (database versions not stated): TOPMed 0.00004; gnomAD 0.00005; ESP Exome Variant Server 0.00015.
gnomAD v4.1: 21 of 1,613,780 alleles (0.0013%); highest among the groups gnomAD compares: Non-Finnish European, 0.0017%; no homozygotes.

Submissions (3):

Labcorp Genetics (formerly Invitae), Labcorp
Classification: Uncertain significance for 3-methylcrotonyl-CoA carboxylase 1 deficiency. Last evaluated: 2024-10-08. Review status: criteria provided, single submitter. Criteria: Invitae Variant Classification Sherloc (09022015). Collection method: clinical testing. Allele origin: germline.
Comment: This sequence change replaces aspartic acid, which is acidic and polar, with glutamic acid, which is acidic and polar, at codon 594 of the MCCC1 protein (p.Asp594Glu). This variant is present in population databases (rs377249142, gnomAD 0.004%). This variant has not been reported in the literature in individuals affected with MCCC1-related conditions. ClinVar contains an entry for this variant (Variation ID: 2150073). Invitae Evidence Modeling of protein sequence and biophysical properties (such as structural, functional, and spatial information, amino acid conservation, physicochemical variation, residue mobility, and thermodynamic stability) indicates that this missense variant is not expected to disrupt MCCC1 protein function with a negative predictive value of 95%. In summary, the available evidence is currently insufficient to determine the role of this variant in disease. Therefore, it has been classified as a Variant of Uncertain Significance.

Baylor Genetics
Classification: Uncertain significance for 3-methylcrotonyl-CoA carboxylase 1 deficiency. Last evaluated: 2022-07-25. Review status: criteria provided, single submitter. Criteria: ACMG Guidelines, 2015. Collection method: clinical testing. Allele origin: unknown.

PreventionGenetics, part of Exact Sciences
Classification: Uncertain significance for MCCC1-related condition. Last evaluated: 2024-01-30. Review status: no assertion criteria provided. Collection method: clinical testing. Allele origin: germline. Not counted in ClinVar's aggregate classification.
Comment: The MCCC1 c.1782C>G variant is predicted to result in the amino acid substitution p.Asp594Glu. To our knowledge, this variant has not been reported in the literature. This variant is reported in 0.0044% of alleles in individuals of European (non-Finnish) descent in gnomAD. At this time, the clinical significance of this variant is uncertain due to the absence of conclusive functional and genetic evidence.

NM_020166.5(MCCC1):c.1782C>G (p.Asp594Glu)

Gene: MCCC1 (methylcrotonyl-CoA carboxylase subunit 1; minus strand). Cytogenetic location: 3q27.1.
Variant type: single nucleotide variant.
Coding change: c.1782C>G on transcript NM_020166.5 (MANE Select); coding-DNA position 1782, C replaced by G.
Protein change: p.Asp594Glu; replaces aspartic acid 594 with glutamic acid.
Molecular consequence: missense variant. On other transcripts: non-coding transcript variant (2).
Genome position (GRCh38, 1-based): chr3:183,022,504, G>C on the plus strand (C>G on the coding strand, the complement: MCCC1 is on the minus strand). VCF-style: chr3-183022504-G-C. GRCh37 (hg19) VCF-style: chr3-182740292-G-C.
Other names: c.1431C>G, p.Asp477Glu (NM_001293273.2); c.1455C>G, p.Asp485Glu (NM_001363880.1); c.1782C>G (NM_020166.4); short protein forms D485E, D594E, D477E.
Identifiers: ClinVar variation 2150073 (VCV002150073.6), dbSNP rs377249142, ClinGen allele CA2718650.